The following is an entry in ClinVar:

ClinVar aggregate classification (germline): Uncertain significance (1 of 4 stars; one submission).

Conditions:
Dilated cardiomyopathy 1AA (CMD1AA). Also called: CARDIOMYOPATHY, DILATED, 1AA, WITH OR WITHOUT LEFT VENTRICULAR NONCOMPACTION; Cardiomyopathy, dilated, 1AA, with or without LVNC; CARDIOMYOPATHY, FAMILIAL HYPERTROPHIC, 23, WITH OR WITHOUT LEFT VENTRICULAR NONCOMPACTION. Identifiers: Orphanet 154, MedGen C2677338, MONDO:0012808, OMIM 612158.
Primary familial hypertrophic cardiomyopathy (HCM). Identifiers: Orphanet 99739, MedGen C0949658, MeSH D024741, MONDO:0024573. Inheritance: Various modes of inheritance.

Submission:

Labcorp Genetics (formerly Invitae), Labcorp
Classification: Uncertain significance for Primary familial hypertrophic cardiomyopathy; Dilated cardiomyopathy 1AA. Last evaluated: 2022-03-22. Review status: criteria provided, single submitter. Criteria: Invitae Variant Classification Sherloc (09022015). Collection method: clinical testing. Allele origin: germline.
Comment: In summary, the available evidence is currently insufficient to determine the role of this variant in disease. Therefore, it has been classified as a Variant of Uncertain Significance. Algorithms developed to predict the effect of sequence changes on RNA splicing suggest that this variant may disrupt the consensus splice site. This variant has not been reported in the literature in individuals affected with ACTN2-related conditions. This variant is not present in population databases (gnomAD no frequency). This sequence change affects a donor splice site in intron 6 of the ACTN2 gene. It is expected to disrupt RNA splicing. Variants that disrupt the donor or acceptor splice site typically lead to a loss of protein function (PMID: 16199547), however the current clinical and genetic evidence is not sufficient to establish whether loss-of-function variants in ACTN2 cause disease.

Literature cited by the submitters: PubMed 16199547.

NM_001103.4(ACTN2):c.615+1G>C

Gene: ACTN2 (actinin alpha 2; plus strand). Cytogenetic location: 1q43.
Variant type: single nucleotide variant.
Coding change: c.615+1G>C on transcript NM_001103.4 (MANE Select); the canonical splice donor site of the intron after coding-DNA position 615, G replaced by C.
Molecular consequence: splice donor variant.
Genome position (GRCh38, 1-based): chr1:236,727,757, G>C. VCF-style: chr1-236727757-G-C. GRCh37 (hg19) VCF-style: chr1-236891057-G-C.
Other names: c.615+1G>C (NM_001278343.2).
Identifiers: ClinVar variation 1392088 (VCV001392088.6), dbSNP rs2102906595, ClinGen allele CA345375644.
Genomic context (GRCh38, chr1:236,727,757, plus strand): 5'-CTCTGTGCCCTCATCCACCGACACCGGCCTGACCTCATTGACTACTCAAAGCTTAACAAG[G>C]TTATTCTGGGTGGCCTGGCATGCAGTGTCCCCAGCCACGCGTCTCAGCATGTCCTGCAAA-3'